The following is an entry in ClinVar:

NM_015078.4(MCF2L2):c.1209G>A (p.Val403=)

Gene: MCF2L2 (MCF.2 cell line derived transforming sequence-like 2; minus strand). Cytogenetic location: 3q27.1.
Variant type: single nucleotide variant.
Coding change: c.1209G>A on transcript NM_015078.4 (MANE Select); coding-DNA position 1209, G replaced by A.
Protein change: p.Val403=; no amino-acid change (valine 403 retained).
Molecular consequence: synonymous variant.
Genome position (GRCh38, 1-based): chr3:183,300,101, C>T on the plus strand (G>A on the coding strand, the complement: MCF2L2 is on the minus strand). VCF-style: chr3-183300101-C-T. GRCh37 (hg19) VCF-style: chr3-183017889-C-T.
Identifiers: ClinVar variation 2654296 (VCV002654296.24), dbSNP rs147469829, ClinGen allele CA2720563.

ClinVar aggregate classification (germline): Likely benign (1 of 4 stars; one submission).

Allele frequency attached by ClinVar (database versions not stated): ESP Exome Variant Server 0.00008; gnomAD 0.00009; TOPMed 0.00009; gnomAD exomes 0.00013; ExAC 0.00020.
gnomAD v4.1: 213 of 1,613,646 alleles (0.013%); highest among the groups gnomAD compares: Middle Eastern, 0.082%; no homozygotes.

Submission:

CeGaT Center for Human Genetics Tuebingen
Classification: Likely benign. Last evaluated: 2023-02-01. Review status: criteria provided, single submitter. Criteria: CeGaT Center For Human Genetics Tuebingen Variant Classification Criteria Version 2. Collection method: clinical testing. Allele origin: germline. Affected: yes. Observed: 1 variant allele.
Comment: MCF2L2: BP4, BP7